The following is an entry in ClinVar:

NM_000215.4(JAK3):c.2062A>T (p.Ile688Phe)

Gene: JAK3 (Janus kinase 3; minus strand). Cytogenetic location: 19p13.11.
Variant type: single nucleotide variant.
Coding change: c.2062A>T on transcript NM_000215.4 (MANE Select); coding-DNA position 2062, A replaced by T.
Protein change: p.Ile688Phe; replaces isoleucine 688 with phenylalanine.
Molecular consequence: missense variant.
Genome position (GRCh38, 1-based): chr19:17,834,989, T>A on the plus strand (A>T on the coding strand, the complement: JAK3 is on the minus strand). VCF-style: chr19-17834989-T-A. GRCh37 (hg19) VCF-style: chr19-17945798-T-A.
Other names: short protein forms I688F.
Identifiers: ClinVar variation 134571 (VCV000134571.14), dbSNP rs35785705, ClinGen allele CA160219.
Genomic context (GRCh38, chr19:17,834,989, plus strand): 5'-TGTCAGCTTCCAAGCTAAGTGTCTGCGCCTCCCGGAGACACTCGGGGGCCACCCAGGGGA[T>A]CCTGTCGGTGAGCACTGAGGGAATGAAAGTGGGATCAGGGATCCACTTCCTTGCCCTGCT-3'
Protein context (NP_000206.2, residues 678-698): VLSLEMLTDR[Ile688Phe]PWVAPECLRE

ClinVar aggregate classification (germline): Conflicting classifications of pathogenicity. Review status: criteria provided, conflicting classifications (1 of 4 stars). 4 submissions from 4 submitters: Uncertain significance (2); Likely benign (1). 1 of the submissions does not count toward it. Last evaluated 2026-01-28.

Conditions:
T-B+ severe combined immunodeficiency due to JAK3 deficiency. Also called: SCID, T CELL-NEGATIVE, B CELL-POSITIVE, NK CELL-NEGATIVE; SCID, autosomal recessive, T-negative/B-positive type. Identifiers: Orphanet 35078, MedGen C1833275, MONDO:0010938, OMIM 600802.

Allele frequency attached by ClinVar (database versions not stated): gnomAD exomes 0.00025 and 0.00008; 1000 Genomes Project 0.00060; 1000 Genomes Project 30x 0.00062; gnomAD 0.00005 and 0.00008; TOPMed 0.00011; ExAC 0.00018.

Submissions (4):

Labcorp Genetics (formerly Invitae), Labcorp
Classification: Likely benign for T-B+ severe combined immunodeficiency due to JAK3 deficiency. Last evaluated: 2026-01-28. Review status: criteria provided, single submitter. Criteria: Invitae Variant Classification Sherloc (09022015). Collection method: clinical testing. Allele origin: germline.

Blueprint Genetics
Classification: Uncertain significance. Last evaluated: 2024-07-10. Review status: criteria provided, single submitter. Criteria: ACMG Guidelines, 2015. Collection method: clinical testing. Allele origin: germline.

Illumina Laboratory Services, Illumina
Classification: Uncertain significance for T-B+ severe combined immunodeficiency due to JAK3 deficiency. Last evaluated: 2018-01-12. Review status: criteria provided, single submitter. Criteria: ICSL Variant Classification Criteria 13 December 2019. Collection method: clinical testing. Allele origin: germline.

ITMI
No classification provided. Condition: AllHighlyPenetrant. Last evaluated: 2013-09-19. Review status: no classification provided. Collection method: reference population. Allele origin: germline. Not counted in ClinVar's aggregate classification.
Comment: Please see associated publication for description of ethnicities

Literature cited by the submitters: PubMed 24728327 (cited by ITMI).